The following is an entry in ClinVar:

NM_005359.6(SMAD4):c.249+13_249+14insAT

Gene: SMAD4 (SMAD family member 4; plus strand). Cytogenetic location: 18q21.2.
Variant type: Insertion.
Coding change: c.249+13_249+14insAT on transcript NM_005359.6 (MANE Select); bases 13 to 14 of the intron after coding-DNA position 249, AT inserted.
Molecular consequence: intron variant.
Genome position: GRCh38 VCF-style: chr18-51047308-A-AAT. GRCh37 (hg19) VCF-style: chr18-48573678-A-AAT.
Other names: c.249+13_249+14insAT (NM_005359.5).
Identifiers: ClinVar variation 1653069 (VCV001653069.9), dbSNP rs1467195416, ClinGen allele CA629586818.

ClinVar aggregate classification (germline): Likely benign. Review status: criteria provided, multiple submitters, no conflicts (2 of 4 stars). 2 submissions from 2 submitters: Likely benign (2). Last evaluated 2025-12-10.

Conditions:
Juvenile polyposis syndrome (JPS). Identifiers: Orphanet 2929, MedGen C0345893, MONDO:0017380, OMIM 174900.

Allele frequency attached by ClinVar (database versions not stated): gnomAD exomes below 0.00001 and 0.00002; gnomAD 0.00001; TOPMed 0.00001.

Submissions (2):

Labcorp Genetics (formerly Invitae), Labcorp
Classification: Likely benign for Juvenile polyposis syndrome. Last evaluated: 2025-12-10. Review status: criteria provided, single submitter. Criteria: Invitae Variant Classification Sherloc (09022015). Collection method: clinical testing. Allele origin: germline.

Women's Health and Genetics/Laboratory Corporation of America, LabCorp
Classification: Likely benign. Last evaluated: 2023-09-16. Review status: criteria provided, single submitter. Criteria: LabCorp Variant Classification Summary - May 2015. Collection method: clinical testing. Allele origin: germline.
Comment: Variant summary: SMAD4 c.249+13_249+14insAT alters a nucleotide located at a position not widely known to affect splicing. Consensus agreement among computation tools predict no significant impact on normal splicing. However, these predictions have yet to be confirmed by functional studies. The variant allele was found at a frequency of 4e-06 in 249180 control chromosomes (gnomAD). The available data on variant occurrences in the general population are insufficient to allow any conclusion about variant significance. To our knowledge, no occurrence of c.249+13_249+14insAT in individuals affected with Aortopathy and no experimental evidence demonstrating its impact on protein function have been reported. One submitter has reported clinical-significance assessments for this variant to ClinVar after 2014 and has classified the variant as likely benign. Based on the evidence outlined above, the variant was classified as likely benign.